The following is an entry in ClinVar:

NM_199420.4(POLQ):c.5838G>T (p.Trp1946Cys)

Gene: POLQ (DNA polymerase theta; minus strand). Cytogenetic location: 3q13.33.
Variant type: single nucleotide variant.
Coding change: c.5838G>T on transcript NM_199420.4 (MANE Select); coding-DNA position 5838, G replaced by T.
Protein change: p.Trp1946Cys; replaces tryptophan 1946 with cysteine.
Molecular consequence: missense variant.
Genome position (GRCh38, 1-based): chr3:121,483,518, C>A on the plus strand (G>T on the coding strand, the complement: POLQ is on the minus strand). VCF-style: chr3-121483518-C-A. GRCh37 (hg19) VCF-style: chr3-121202365-C-A.
Other names: short protein forms W1946C.
Identifiers: ClinVar variation 1749998 (VCV001749998.2), dbSNP rs752018414, ClinGen allele CA2562625.

ClinVar aggregate classification (germline): Uncertain significance (1 of 4 stars; one submission).

Allele frequency attached by ClinVar (database versions not stated): gnomAD exomes below 0.00001; ExAC 0.00001; gnomAD 0.00001.
gnomAD v4.1: 2 of 1,602,636 alleles (0.00012%); highest among the groups gnomAD compares: Non-Finnish European, 0.00017%; no homozygotes.

Submission:

Ambry Genetics
Classification: Uncertain significance. Last evaluated: 2022-01-21. Review status: criteria provided, single submitter. Criteria: Ambry Variant Classification Scheme 2023. Collection method: clinical testing. Allele origin: germline.
Comment: The p.W1946C variant (also known as c.5838G>T), located in coding exon 18 of the POLQ gene, results from a G to T substitution at nucleotide position 5838. The tryptophan at codon 1946 is replaced by cysteine, an amino acid with highly dissimilar properties. This amino acid position is conserved. In addition, this alteration is predicted to be tolerated by in silico analysis. Since supporting evidence is limited at this time, the clinical significance of this alteration remains unclear.